The following is an entry in ClinVar:

ClinVar aggregate classification (germline): Pathogenic/Likely pathogenic. Review status: criteria provided, multiple submitters, no conflicts (2 of 4 stars). 2 submissions from 2 submitters: Pathogenic (1); Likely pathogenic (1). Last evaluated 2024-02-28.

Conditions:
Hermansky-Pudlak syndrome 3 (HPS3). Identifiers: Orphanet 231512, Orphanet 79430, MedGen C3888001, MONDO:0013555, OMIM 614072.

Submissions (2):

Baylor Genetics
Classification: Likely pathogenic for Hermansky-Pudlak syndrome 3. Last evaluated: 2024-02-28. Review status: criteria provided, single submitter. Criteria: ACMG Guidelines, 2015. Collection method: clinical testing. Allele origin: unknown.

Labcorp Genetics (formerly Invitae), Labcorp
Classification: Pathogenic. Last evaluated: 2022-08-19. Review status: criteria provided, single submitter. Criteria: Invitae Variant Classification Sherloc (09022015). Collection method: clinical testing. Allele origin: germline.
Comment: This sequence change creates a premature translational stop signal (p.Glu50*) in the HPS3 gene. It is expected to result in an absent or disrupted protein product. Loss-of-function variants in HPS3 are known to be pathogenic (PMID: 11590544). This variant is not present in population databases (gnomAD no frequency). This variant has not been reported in the literature in individuals affected with HPS3-related conditions. For these reasons, this variant has been classified as Pathogenic.

Literature cited by the submitters: PubMed 11590544 (cited by Labcorp Genetics (formerly Invitae), Labcorp).

NM_032383.5(HPS3):c.148G>T (p.Glu50Ter)

Gene: HPS3 (HPS3 biogenesis of lysosomal organelles complex 2 subunit 1; plus strand). Cytogenetic location: 3q24.
Variant type: single nucleotide variant.
Coding change: c.148G>T on transcript NM_032383.5 (MANE Select); coding-DNA position 148, G replaced by T.
Protein change: p.Glu50Ter; replaces glutamic acid 50 with a stop codon.
Molecular consequence: nonsense.
Genome position (GRCh38, 1-based): chr3:149,129,871, G>T. VCF-style: chr3-149129871-G-T. GRCh37 (hg19) VCF-style: chr3-148847658-G-T.
Other names: c.148G>T, p.Glu50Ter (NM_001308258.2); short protein forms E50*.
Identifiers: ClinVar variation 2022446 (VCV002022446.5), dbSNP rs2473045386, ClinGen allele CA354906605.